The following is an entry in ClinVar:

NM_014967.5(FAN1):c.1177A>G (p.Met393Val)

Gene: FAN1 (FANCD2 and FANCI associated nuclease 1; plus strand). Cytogenetic location: 15q13.3.
Variant type: single nucleotide variant.
Coding change: c.1177A>G on transcript NM_014967.5 (MANE Select); coding-DNA position 1177, A replaced by G.
Protein change: p.Met393Val; replaces methionine 393 with valine.
Molecular consequence: missense variant.
Genome position (GRCh38, 1-based): chr15:30,905,840, A>G. VCF-style: chr15-30905840-A-G. GRCh37 (hg19) VCF-style: chr15-31198043-A-G.
Other names: p.Met393Val; c.1177A>G, p.Met393Val (NM_001146094.2, NM_001146095.1, NM_001146096.2); short protein forms M393V.
Identifiers: ClinVar variation 785898 (VCV000785898.14), dbSNP rs115139636, ClinGen allele CA7450205.

ClinVar aggregate classification (germline): Benign/Likely benign. Review status: criteria provided, multiple submitters, no conflicts (2 of 4 stars). 5 submissions from 5 submitters: Benign (2); Likely benign (3). Last evaluated 2026-01-19.

Allele frequency attached by ClinVar (database versions not stated): gnomAD 0.00505 and 0.00470; TOPMed 0.00517; 1000 Genomes Project 30x 0.00531; ESP Exome Variant Server 0.00531; gnomAD exomes 0.00044 and 0.00112; ExAC 0.00132; 1000 Genomes Project 0.00419.
gnomAD v4.1: 1,379 of 1,613,998 alleles (0.085%); highest among the groups gnomAD compares: African/African-American, 1.7%; 12 homozygotes.

Submissions (5):

Labcorp Genetics (formerly Invitae), Labcorp
Classification: Benign. Last evaluated: 2026-01-19. Review status: criteria provided, single submitter. Criteria: Invitae Variant Classification Sherloc (09022015). Collection method: clinical testing. Allele origin: germline.

Mayo Clinic Laboratories, Mayo Clinic
Classification: Benign. Last evaluated: 2024-12-12. Review status: criteria provided, single submitter. Criteria: ACMG Guidelines, 2015. Collection method: clinical testing. Allele origin: germline. Observed: 1 variant allele.
Comment: BS1, BS2, BP4

Blueprint Genetics
Classification: Likely benign. Last evaluated: 2024-10-16. Review status: criteria provided, single submitter. Criteria: ACMG Guidelines, 2015. Collection method: clinical testing. Allele origin: germline.

GeneDx
Classification: Likely benign. Last evaluated: 2021-01-19. Review status: criteria provided, single submitter. Criteria: GeneDx Variant Classification Process June 2021. Collection method: clinical testing. Allele origin: germline. Affected: yes.

Breakthrough Genomics
Classification: Likely benign. Review status: criteria provided, single submitter. Criteria: ACMG Guidelines, 2015. Collection method: not provided. Allele origin: germline. Inheritance: Autosomal recessive inheritance. Affected: yes.

Literature cited by the submitters: PubMed 28623094 (cited by Mayo Clinic Laboratories, Mayo Clinic).